The following is an entry in ClinVar:

NM_020163.3(SEMA3G):c.592del (p.Arg198fs)

Gene: SEMA3G (semaphorin 3G; minus strand). Cytogenetic location: 3p21.1.
Variant type: Deletion.
Coding change: c.592del on transcript NM_020163.3 (MANE Select); coding-DNA position 592, one base deleted (C; older notation c.592delC).
Protein change: p.Arg198fs; shifts the reading frame from arginine 198.
Molecular consequence: frameshift variant.
Genome position (GRCh38, 1-based): chr3:52,441,649, G deleted on the plus strand (C on the coding strand, the reverse complement: SEMA3G is on the minus strand). VCF-style (leftmost placement, unchanged base first): chr3-52441648-CG-C. GRCh37 (hg19) VCF-style: chr3-52475664-CG-C.
Other names: short protein forms R198fs.
Identifiers: ClinVar variation 3056813 (VCV003056813.2), dbSNP rs1306287076, ClinGen allele CA908093746.

ClinVar aggregate classification (germline): Uncertain significance (0 of 4 stars; one submission).

Conditions:
SEMA3G-related disorder. Also called: SEMA3G-related condition.

Allele frequency attached by ClinVar (database versions not stated): gnomAD exomes below 0.00001; TOPMed 0.00001.

Submission:

PreventionGenetics, part of Exact Sciences
Classification: Uncertain significance for SEMA3G-related condition. Last evaluated: 2023-11-30. Review status: no assertion criteria provided. Collection method: clinical testing. Allele origin: germline.
Comment: The SEMA3G c.592delC variant is predicted to result in a frameshift and premature protein termination (p.Arg198Glufs*4). To our knowledge, this variant has not been reported in the literature or in a large population database, indicating this variant is rare. Nonsense variants in SEMA3G are not an established mechanism of disease. At this time, the clinical significance of this variant is uncertain due to the absence of conclusive functional and genetic evidence.